The following is an entry in ClinVar:

NM_022089.4(ATP13A2):c.284A>G (p.Lys95Arg)

Gene: ATP13A2 (ATPase cation transporting 13A2; minus strand). Cytogenetic location: 1p36.13.
Variant type: single nucleotide variant.
Coding change: c.284A>G on transcript NM_022089.4 (MANE Select); coding-DNA position 284, A replaced by G.
Protein change: p.Lys95Arg; replaces lysine 95 with arginine.
Molecular consequence: missense variant.
Genome position (GRCh38, 1-based): chr1:17,005,378, T>C on the plus strand (A>G on the coding strand, the complement: ATP13A2 is on the minus strand). VCF-style: chr1-17005378-T-C. GRCh37 (hg19) VCF-style: chr1-17331873-T-C.
Other names: c.284A>G, p.Lys95Arg (NM_001141973.3, NM_001141974.3); short protein forms K95R.
Identifiers: ClinVar variation 1405469 (VCV001405469.3), dbSNP rs2101118952, ClinGen allele CA338264081.

ClinVar aggregate classification (germline): Uncertain significance (1 of 4 stars; one submission).

Conditions:
Kufor-Rakeb syndrome (KRS). Also called: PARKINSON DISEASE 9, AUTOSOMAL RECESSIVE, JUVENILE-ONSET. Identifiers: Orphanet 306674, Orphanet 314632, MedGen C1847640, MONDO:0011706, OMIM 606693.
Autosomal recessive spastic paraplegia type 78. Identifiers: Orphanet 513436, MedGen C5567893, MONDO:0014975, OMIM 617225.

Submission:

Labcorp Genetics (formerly Invitae), Labcorp
Classification: Uncertain significance for Kufor-Rakeb syndrome; Autosomal recessive spastic paraplegia type 78. Last evaluated: 2021-11-24. Review status: criteria provided, single submitter. Criteria: Invitae Variant Classification Sherloc (09022015). Collection method: clinical testing. Allele origin: germline.
Comment: This sequence change replaces lysine, which is basic and polar, with arginine, which is basic and polar, at codon 95 of the ATP13A2 protein (p.Lys95Arg). This variant is not present in population databases (gnomAD no frequency). This variant has not been reported in the literature in individuals affected with ATP13A2-related conditions. Advanced modeling of protein sequence and biophysical properties (such as structural, functional, and spatial information, amino acid conservation, physicochemical variation, residue mobility, and thermodynamic stability) performed at Invitae indicates that this missense variant is not expected to disrupt ATP13A2 protein function. In summary, the available evidence is currently insufficient to determine the role of this variant in disease. Therefore, it has been classified as a Variant of Uncertain Significance.